The following is an entry in ClinVar:

NM_001127222.2(CACNA1A):c.395G>A (p.Arg132Gln)

Gene: CACNA1A (calcium voltage-gated channel subunit alpha1 A; minus strand). Cytogenetic location: 19p13.13.
Variant type: single nucleotide variant.
Coding change: c.395G>A on transcript NM_001127222.2 (MANE Select); coding-DNA position 395, G replaced by A.
Protein change: p.Arg132Gln; replaces arginine 132 with glutamine.
Molecular consequence: missense variant.
Genome position (GRCh38, 1-based): chr19:13,455,111, C>T on the plus strand (G>A on the coding strand, the complement: CACNA1A is on the minus strand). VCF-style: chr19-13455111-C-T. GRCh37 (hg19) VCF-style: chr19-13565925-C-T.
Other names: c.395G>A, p.Arg132Gln (NM_000068.4, NM_001127221.2, NM_001174080.2 and 1 more transcripts); short protein forms R132Q.
Identifiers: ClinVar variation 1997335 (VCV001997335.4), dbSNP rs764554276, ClinGen allele CA9241051.

ClinVar aggregate classification (germline): Uncertain significance (1 of 4 stars; one submission).

Conditions:
Episodic ataxia type 2 (EA2). Also called: ATAXIA, EPISODIC, WITH NYSTAGMUS; ATAXIA, FAMILIAL PAROXYSMAL; CEREBELLAR ATAXIA, PAROXYSMAL, ACETAZOLAMIDE-RESPONSIVE; CEREBELLOPATHY, HEREDITARY PAROXYSMAL; ACETAZOLAMIDE-RESPONSIVE HEREDITARY PAROXYSMAL CEREBELLAR ATAXIA; EPISODIC ATAXIA, NYSTAGMUS-ASSOCIATED. Identifiers: Orphanet 97, MedGen C1720416, MONDO:0007163, OMIM 108500.
Developmental and epileptic encephalopathy, 42 (DEE42A). Also called: EPILEPTIC ENCEPHALOPATHY, EARLY INFANTILE, 42A; Epileptic encephalopathy, early infantile, 42; DEVELOPMENTAL AND EPILEPTIC ENCEPHALOPATHY 42A. Identifiers: MedGen C4310716, MONDO:0014917, OMIM 617106.

Allele frequency attached by ClinVar (database versions not stated): TOPMed below 0.00001; ExAC 0.00001; gnomAD 0.00001; gnomAD exomes 0.00001.
gnomAD v4.1: 11 of 1,595,698 alleles (0.00069%); highest among the groups gnomAD compares: South Asian, 0.0022%; no homozygotes.

Submission:

Labcorp Genetics (formerly Invitae), Labcorp
Classification: Uncertain significance for Developmental and epileptic encephalopathy, 42; Episodic ataxia type 2. Last evaluated: 2022-05-21. Review status: criteria provided, single submitter. Criteria: Invitae Variant Classification Sherloc (09022015). Collection method: clinical testing. Allele origin: germline.
Comment: In summary, the available evidence is currently insufficient to determine the role of this variant in disease. Therefore, it has been classified as a Variant of Uncertain Significance. This variant has not been reported in the literature in individuals affected with CACNA1A-related conditions. Advanced modeling of protein sequence and biophysical properties (such as structural, functional, and spatial information, amino acid conservation, physicochemical variation, residue mobility, and thermodynamic stability) performed at Invitae indicates that this missense variant is expected to disrupt CACNA1A protein function. This variant is present in population databases (rs764554276, gnomAD 0.004%). This sequence change replaces arginine, which is basic and polar, with glutamine, which is neutral and polar, at codon 132 of the CACNA1A protein (p.Arg132Gln).